The following is an entry in ClinVar:

NM_000642.3(AGL):c.3392_3404delinsCTGAG (p.Leu1131fs)

Gene: AGL (amylo-alpha-1,6-glucosidase and 4-alpha-glucanotransferase; plus strand). Cytogenetic location: 1p21.2.
Variant type: Indel.
Coding change: c.3392_3404delinsCTGAG on transcript NM_000642.3 (MANE Select); coding-DNA positions 3392 to 3404, TGAGGCATGGTCT replaced by CTGAG.
Protein change: p.Leu1131fs; shifts the reading frame from leucine 1131.
Molecular consequence: frameshift variant.
Genome position (GRCh38, 1-based): chr1:99,900,665-99,900,677, TGAGGCATGGTCT replaced by CTGAG. VCF-style: chr1-99900665-TGAGGCATGGTCT-CTGAG. GRCh37 (hg19) VCF-style: chr1-100366221-TGAGGCATGGTCT-CTGAG.
Other names: c.3392_3404delinsCTGAG, p.Leu1131fs (NM_000028.3, NM_000643.3, NM_000644.3 and 1 more transcripts); c.3344_3356delinsCTGAG, p.Leu1115fs (NM_000646.3); c.3371_3383delinsCTGAG, p.Leu1124fs (NM_001425326.1); c.3191_3203delinsCTGAG, p.Leu1064fs (NM_001425327.1); c.3188_3200delinsCTGAG, p.Leu1063fs (NM_001425328.1); c.3053_3065delinsCTGAG, p.Leu1018fs (NM_001425329.1); c.3014_3026delinsCTGAG, p.Leu1005fs (NM_001425332.1); short protein forms L1005fs, L1018fs, L1063fs, L1064fs, L1115fs, L1124fs, L1131fs.
Identifiers: ClinVar variation 5015820 (VCV005015820.1).

ClinVar aggregate classification (germline): Pathogenic (1 of 4 stars; one submission).

Conditions:
Glycogen storage disease type III (GSD3). Also called: FORBES DISEASE; Cori disease. Identifiers: Orphanet 366, MedGen C0017922, MONDO:0009291, OMIM 232400.

Submission:

Myriad Genetics, Inc.
Classification: Pathogenic for Glycogen storage disease type III. Last evaluated: 2026-04-22. Review status: criteria provided, single submitter. Criteria: Myriad Autosomal Dominant, Autosomal Recessive and X-Linked Classification Criteria (2023). Collection method: clinical testing. Allele origin: unknown.
Comment: NM_000642.2(AGL):c.3392_3404del13ins5(L1131Pfs*5) is expected to be pathogenic in the context of glycogen storage disease type III. This variant is predicted to lead to an abnormal or absent protein product due to the creation of a premature termination codon in AGL, a gene where loss-of-function variants are known to be pathogenic. Please note: this variant was assessed in the context of healthy population screening.